The following is an entry in ClinVar:

NM_144997.7(FLCN):c.703G>C (p.Gly235Arg)

Gene: FLCN (folliculin; minus strand). Cytogenetic location: 17p11.2.
Variant type: single nucleotide variant.
Coding change: c.703G>C on transcript NM_144997.7 (MANE Select); coding-DNA position 703, G replaced by C.
Protein change: p.Gly235Arg; replaces glycine 235 with arginine.
Molecular consequence: missense variant.
Genome position (GRCh38, 1-based): chr17:17,222,577, C>G on the plus strand (G>C on the coding strand, the complement: FLCN is on the minus strand). VCF-style: chr17-17222577-C-G. GRCh37 (hg19) VCF-style: chr17-17125891-C-G.
Other names: c.757G>C, p.Gly253Arg (NM_001353229.2); c.703G>C, p.Gly235Arg (NM_001353230.2, NM_001353231.2, NM_144606.7); short protein forms G235R, G253R.
Identifiers: ClinVar variation 4257948 (VCV004257948.1).

ClinVar aggregate classification (germline): Uncertain significance (1 of 4 stars; one submission).

Conditions:
Hereditary cancer-predisposing syndrome. Also called: Hereditary Cancer Syndrome; Hereditary neoplastic syndrome; Neoplastic Syndromes, Hereditary; Tumor predisposition. Identifiers: Orphanet 140162, MedGen C0027672, MeSH D009386, MONDO:0015356.

Submission:

Ambry Genetics
Classification: Uncertain significance for Hereditary cancer-predisposing syndrome. Last evaluated: 2025-09-01. Review status: criteria provided, single submitter. Criteria: Ambry Variant Classification Scheme 2023. Collection method: clinical testing. Allele origin: germline.
Comment: The p.G235R variant (also known as c.703G>C), located in coding exon 4 of the FLCN gene, results from a G to C substitution at nucleotide position 703. The glycine at codon 235 is replaced by arginine, an amino acid with dissimilar properties. This amino acid position is conserved. In addition, this alteration is predicted to be deleterious by in silico analysis. Based on the available evidence, the clinical significance of this variant remains unclear.